The following is an entry in ClinVar:

ClinVar aggregate classification (germline): Uncertain significance (1 of 4 stars; one submission).

Conditions:
Polyglucosan body myopathy type 1 (PGBM1). Also called: Polyglucosan body myopathy 1 with or without immunodeficiency; POLYGLUCOSAN BODY MYOPATHY WITHOUT IMMUNODEFICIENCY. Identifiers: Orphanet 329173, Orphanet 397937, MedGen C4014605, MONDO:0014389, OMIM 615895.

Submission:

Labcorp Genetics (formerly Invitae), Labcorp
Classification: Uncertain significance for Polyglucosan body myopathy type 1. Last evaluated: 2022-01-23. Review status: criteria provided, single submitter. Criteria: Invitae Variant Classification Sherloc (09022015). Collection method: clinical testing. Allele origin: germline.
Comment: In summary, the available evidence is currently insufficient to determine the role of this variant in disease. Therefore, it has been classified as a Variant of Uncertain Significance. Algorithms developed to predict the effect of missense changes on protein structure and function are either unavailable or do not agree on the potential impact of this missense change (SIFT: "Not Available"; PolyPhen-2: "Probably Damaging"; Align-GVGD: "Not Available"). This variant has not been reported in the literature in individuals affected with RBCK1-related conditions. This variant is not present in population databases (gnomAD no frequency). This sequence change replaces leucine, which is neutral and non-polar, with phenylalanine, which is neutral and non-polar, at codon 138 of the RBCK1 protein (p.Leu138Phe).

NM_031229.4(RBCK1):c.412C>T (p.Leu138Phe)

Gene: RBCK1 (RANBP2-type and C3HC4-type zinc finger containing 1; plus strand). Cytogenetic location: 20p13.
Variant type: single nucleotide variant.
Coding change: c.412C>T on transcript NM_031229.4 (MANE Select); coding-DNA position 412, C replaced by T.
Protein change: p.Leu138Phe; replaces leucine 138 with phenylalanine.
Molecular consequence: missense variant. On other transcripts: synonymous variant (2), non-coding transcript variant (1).
Genome position (GRCh38, 1-based): chr20:417,882, C>T. VCF-style: chr20-417882-C-T. GRCh37 (hg19) VCF-style: chr20-398526-C-T.
Other names: c.63C>T, p.Pro21= (NM_001323956.2, NM_001323958.2); c.463C>T, p.Leu155Phe (NM_001410770.1); c.286C>T, p.Leu96Phe (NM_006462.6); short protein forms L96F, L138F, L155F.
Identifiers: ClinVar variation 2059228 (VCV002059228.4), dbSNP rs762636240, ClinGen allele CA407950633.